The following is an entry in ClinVar:

ClinVar aggregate classification (germline): Likely pathogenic (1 of 4 stars; one submission).

Conditions:
Branchiootic syndrome 1 (BOS1). Also called: BO SYNDROME 1; BRANCHIOOTIC DYSPLASIA. Identifiers: MedGen C1865143, MONDO:0011258, OMIM 602588.

Submission:

Diagnostics Services (NGS), CSIR - Centre For Cellular And Molecular Biology
Classification: Likely pathogenic for Branchiootic syndrome 1. Last evaluated: 2022-04-08. Review status: criteria provided, single submitter. Criteria: ACMG Guidelines, 2015. Collection method: clinical testing. Allele origin: unknown. Inheritance: Autosomal dominant inheritance. Affected: yes. Observed: 1 variant allele, 1 heterozygote.
Comment: The c.1650_1651dup variant is not present in publicly available population databases like 1000 Genomes, Exome Variant Server (EVS), Exome Aggregation Consortium (ExAC), Genome Aggregation Database (gnomAD), Indian Exome Database and in our in-house exome database. The variant was not previously reported to ClinVar, Human Genome Mutation Database (HGMD) and OMIM databases, in any affected individuals. In-silico pathogenicity prediction programs like MutationTaster2, CADD, Varsome etc. predicted this variant to be deleterious. The variant causes frameshift at the 551th aminoacid position of the wildtype transcript that creates a premature stop codon at the 555th position of the altered transcript which may translated into a truncated protein.

NM_000503.6(EYA1):c.1650_1651dup (p.Tyr551fs)

Gene: EYA1 (EYA transcriptional coactivator and phosphatase 1; minus strand). Cytogenetic location: 8q13.3.
Variant type: Microsatellite.
Coding change: c.1650_1651dup on transcript NM_000503.6 (MANE Select); coding-DNA positions 1650 to 1651, 2 bases duplicated (GT; older notation c.1650_1651dupGT).
Protein change: p.Tyr551fs; shifts the reading frame from tyrosine 551.
Molecular consequence: frameshift variant.
Genome position (GRCh38, 1-based): chr8:71,211,203-71,211,204, AC duplicated on the plus strand (GT on the coding strand, the reverse complement: EYA1 is on the minus strand); duplicating any 2 consecutive bases within chr8:71,211,203-71,211,206 gives the same sequence; the c. name uses the placement nearest the transcript's 3' end. VCF-style (leftmost placement, unchanged base first): chr8-71211202-T-TAC. GRCh37 (hg19) VCF-style: chr8-72123437-T-TAC.
Other names: c.1632_1633dup, p.Tyr545fs (NM_001288574.2, NM_172059.5); c.1284_1285dup, p.Tyr429fs (NM_001288575.2); c.1737_1738dup, p.Tyr580fs (NM_001370333.1); c.1650_1651dup, p.Tyr551fs (NM_001370334.1, NM_001370335.1, NM_172058.4); c.1629_1630dup, p.Tyr544fs (NM_001370336.1); short protein forms Y429fs, Y544fs, Y545fs, Y551fs, Y580fs.
Identifiers: ClinVar variation 1691281 (VCV001691281.4), dbSNP rs2128835296, ClinGen allele CA2580617175.
Genomic context (GRCh38, chr8:71,211,202, plus strand): 5'-CTAGGAATGCTCACCTTTTTTGCTCCTTGTTCTTCTTCTACACCATCTCCTATAACAACA[T>TAC]ACACCACTTTTCTTCCAAACCTTTGAATTATTCTCTCAAAACAGCTTTCTTTTCCTAGTG-3'